The following is an entry in ClinVar:

ClinVar aggregate classification (germline): Likely pathogenic. Review status: criteria provided, single submitter (1 of 4 stars). 2 submissions from 2 submitters: Likely pathogenic (1). 1 of the submissions does not count toward it. Last evaluated 2022-10-11.

Conditions:
Familial thoracic aortic aneurysm and aortic dissection (TAAD). Also called: Thoracic aortic aneurysms and dissections. Identifiers: Orphanet 91387, MedGen C4707243, MONDO:0019625.
Ehlers-Danlos syndrome, type 4 (EDSVASC). Also called: Ehlers-Danlos syndrome vascular type; Ehlers Danlos syndrome, ecchymotic type; Ehlers Danlos syndrome, arterial type; Ehlers Danlos syndrome, Sack-Barabas type; Ehlers-Danlos Syndrome Type IV. Identifiers: Orphanet 286, MedGen C0268338, MONDO:0017314, OMIM 130050.

Submissions (2):

Ambry Genetics
Classification: Likely pathogenic for Familial thoracic aortic aneurysm and aortic dissection. Last evaluated: 2022-10-11. Review status: criteria provided, single submitter. Criteria: Ambry Variant Classification Scheme 2023. Collection method: clinical testing. Allele origin: germline.
Comment: The p.G1167R variant (also known as c.3499G>C), located in coding exon 47 of the COL3A1 gene, results from a G to C substitution at nucleotide position 3499. The glycine at codon 1167 is replaced by arginine, an amino acid with dissimilar properties. The majority (approximately two-thirds) of COL3A1 mutations identified to date have involved the substitution of another amino acid for glycine within the triple-helical domain (Pepin MG et al. Genet Med. 2014;16(12):881-8; Frank M et al. Eur J Hum Genet. 2015;23(12):1657-64). This alteration has been reported in a vascular Ehlers-Danlos syndrome (EDS) cohort (Shalhub S et al. J Vasc Surg, 2014 Jul;60:160-9). Internal structural analysis indicates that this alteration disrupts the characteristic G-X-Y motif in the COL3A1 protein and inserts a bulky side chain into a sterically-constrained region (Bella J et al. Science. 1994;266:75-81; Hohenester E et al. Proc. Natl. Acad. Sci. U.S.A. 2008;105:18273-7; Ambry internal data). This variant is considered to be rare based on population cohorts in the Genome Aggregation Database (gnomAD). This amino acid position is highly conserved in available vertebrate species. In addition, this alteration is predicted to be deleterious by in silico analysis. Based on the majority of available evidence to date, this variant is likely to be pathogenic.

Collagen Diagnostic Laboratory, University of Washington
Classification: Pathogenic for Ehlers-Danlos syndrome, type 4. Review status: no assertion criteria provided. Collection method: clinical testing. Allele origin: germline. Affected: yes. Not counted in ClinVar's aggregate classification.

Literature cited by the submitters: PubMed 24650746 (cited by Ambry Genetics).

NM_000090.4(COL3A1):c.3499G>C (p.Gly1167Arg)

Gene: COL3A1 (collagen type III alpha 1 chain; plus strand). Cytogenetic location: 2q32.2.
Variant type: single nucleotide variant.
Coding change: c.3499G>C on transcript NM_000090.4 (MANE Select); coding-DNA position 3499, G replaced by C.
Protein change: p.Gly1167Arg; replaces glycine 1167 with arginine.
Molecular consequence: missense variant.
Genome position (GRCh38, 1-based): chr2:189,008,116, G>C. VCF-style: chr2-189008116-G-C. GRCh37 (hg19) VCF-style: chr2-189872842-G-C.
Identifiers: ClinVar variation 101327 (VCV000101327.4), dbSNP rs587779609, ClinGen allele CA006503.